The following is an entry in ClinVar:

NC_000005.9:g.(?_45262003)_(45303961_?)del

Gene: HCN1 (hyperpolarization activated cyclic nucleotide gated potassium channel 1; minus strand). Cytogenetic location: 5p12.
Variant type: Deletion.
Identifiers: ClinVar variation 3246307 (VCV003246307.1).

ClinVar aggregate classification (germline): Uncertain significance (1 of 4 stars; one submission).

Conditions:
Developmental and epileptic encephalopathy. Identifiers: MedGen C5779964, MONDO:0100620.

Submission:

Labcorp Genetics (formerly Invitae), Labcorp
Classification: Uncertain significance for Early-infantile DEE. Last evaluated: 2020-09-01. Review status: criteria provided, single submitter. Criteria: Invitae Variant Classification Sherloc (09022015). Collection method: clinical testing. Allele origin: unknown.
Comment: In summary, the available evidence is currently insufficient to determine the role of this variant in disease. Therefore, it has been classified as a Variant of Uncertain Significance. A similar deletion has not been reported in the literature in individuals with HCN1-related conditions. This variant is a gross deletion of the genomic region encompassing exons 6-8 of the HCN1 gene. The 5' boundary is likely confined to intron 5. The 3' end of this event is unknown as it extends through the termination codon beyond the assayed region for this gene and may encompass additional genes. While this deletion is not anticipated to result in nonsense mediated decay, it is expected to create a truncated protein product or disrupt mRNA translation.